The following is an entry in ClinVar:

NM_001321075.3(DLG4):c.1698G>C (p.Thr566=)

Gene: DLG4 (discs large MAGUK scaffold protein 4; minus strand). Cytogenetic location: 17p13.1.
Variant type: single nucleotide variant.
Coding change: c.1698G>C on transcript NM_001321075.3 (MANE Select); coding-DNA position 1698, G replaced by C.
Protein change: p.Thr566=; no amino-acid change (threonine 566 retained).
Molecular consequence: synonymous variant. On other transcripts: non-coding transcript variant (1).
Genome position (GRCh38, 1-based): chr17:7,193,113, C>G on the plus strand (G>C on the coding strand, the complement: DLG4 is on the minus strand). VCF-style: chr17-7193113-C-G. GRCh37 (hg19) VCF-style: chr17-7096432-C-G.
Other names: c.1689G>C, p.Thr563= (NM_001128827.4); c.1818G>C, p.Thr606= (NM_001321074.1); c.1518G>C, p.Thr506= (NM_001321076.3, NM_001321077.3); c.1827G>C, p.Thr609= (NM_001365.5); c.1617G>C, p.Thr539= (NM_001369566.3).
Identifiers: ClinVar variation 5038905 (VCV005038905.1).

ClinVar aggregate classification (germline): Likely benign (1 of 4 stars; one submission).

gnomAD v4.1: 29 of 1,613,510 alleles (0.0018%); highest among the groups gnomAD compares: South Asian, 0.0044%; no homozygotes.

Submission:

CeGaT Center for Human Genetics Tuebingen
Classification: Likely benign. Last evaluated: 2026-07-01. Review status: criteria provided, single submitter. Criteria: CeGaT Center For Human Genetics Tuebingen Variant Classification Criteria Version 2. Collection method: clinical testing. Allele origin: germline. Affected: yes. Observed: 1 variant allele.
Comment: DLG4: BP4, BP7